The following is an entry in ClinVar:

ClinVar aggregate classification (germline): Uncertain significance (1 of 4 stars; one submission).

Submission:

GeneDx
Classification: Uncertain significance. Last evaluated: 2024-02-23. Review status: criteria provided, single submitter. Criteria: GeneDx Variant Classification Process June 2021. Collection method: clinical testing. Allele origin: germline. Affected: yes.
Comment: Not observed at significant frequency in large population cohorts (gnomAD); In silico analysis supports that this missense variant has a deleterious effect on protein structure/function; Has not been previously published as pathogenic or benign to our knowledge

NM_005909.5(MAP1B):c.2012A>C (p.Lys671Thr)

Gene: MAP1B (microtubule associated protein 1B; plus strand). Cytogenetic location: 5q13.2.
Variant type: single nucleotide variant.
Coding change: c.2012A>C on transcript NM_005909.5 (MANE Select); coding-DNA position 2012, A replaced by C.
Protein change: p.Lys671Thr; replaces lysine 671 with threonine.
Molecular consequence: missense variant.
Genome position (GRCh38, 1-based): chr5:72,195,367, A>C. VCF-style: chr5-72195367-A-C. GRCh37 (hg19) VCF-style: chr5-71491194-A-C.
Other names: c.1634A>C, p.Lys545Thr (NM_001324255.2); short protein forms K545T, K671T.
Identifiers: ClinVar variation 3369589 (VCV003369589.1).